The following is an entry in ClinVar:

ClinVar aggregate classification (germline): Pathogenic. Review status: criteria provided, single submitter (1 of 4 stars). 2 submissions from 2 submitters: Pathogenic (1). 1 of the submissions does not count toward it. Last evaluated 2023-02-10.

Conditions:
Complement component 7 deficiency (C7D). Also called: C7 DEFICIENCY. Identifiers: MedGen C1864694, MONDO:0012412, OMIM 610102.

Submissions (2):

GeneDx
Classification: Pathogenic. Last evaluated: 2023-02-10. Review status: criteria provided, single submitter. Criteria: GeneDx Variant Classification Process June 2021. Collection method: clinical testing. Allele origin: germline. Affected: yes.
Comment: Frameshift variant predicted to result in protein truncation or nonsense mediated decay in a gene for which loss of function is a known mechanism of disease; This variant is associated with the following publications: (PMID: 35867677, 15554930)

OMIM
Classification: Pathogenic for C7 DEFICIENCY. Last evaluated: 2004-12-01. Review status: no assertion criteria provided. Collection method: literature only. Allele origin: germline. Not counted in ClinVar's aggregate classification.

Literature cited by the submitters: PubMed 15554930 (cited by OMIM).

NM_000587.4(C7):c.1314del (p.Lys438fs)

Gene: C7 (complement C7; plus strand). Cytogenetic location: 5p13.1.
Variant type: Deletion.
Coding change: c.1314del on transcript NM_000587.4 (MANE Select); coding-DNA position 1314, one base deleted (A; older notation c.1314delA).
Protein change: p.Lys438fs; shifts the reading frame from lysine 438.
Molecular consequence: frameshift variant.
Genome position (GRCh38, 1-based): chr5:40,958,086, A deleted; the last of 6 consecutive A bases (chr5:40,958,081-40,958,086); deleting any one gives the same sequence. VCF-style (leftmost placement, unchanged base first): chr5-40958080-GA-G. GRCh37 (hg19) VCF-style: chr5-40958182-GA-G.
Other names: C7, 1-BP DEL, 1309A; c.1314del (NM_000587.2); short protein forms K438fs.
Identifiers: ClinVar variation 12109 (VCV000012109.4), dbSNP rs774370086, ClinGen allele CA3249927.
Genomic context (GRCh38, chr5:40,958,080, plus strand): 5'-TTTATCTCTATAGCTGACACCTTTATATGAGCTGGTAAAGGAAGTACCTTGTGCCTCTGT[GA>G]AAAAACTATACCTGAAATGGGCTCTTGAAGAGTATCTGGATGAATTTGACCCCTGTCATT-3'